The following is an entry in ClinVar:

ClinVar aggregate classification (germline): Uncertain significance (1 of 4 stars; one submission).

Submission:

Women's Health and Genetics/Laboratory Corporation of America, LabCorp
Classification: Uncertain significance. Last evaluated: 2025-01-24. Review status: criteria provided, single submitter. Criteria: LabCorp Variant Classification Summary - May 2015. Collection method: clinical testing. Allele origin: germline.
Comment: Variant summary: KDM6B c.3959C>G (p.Pro1320Arg) results in a non-conservative amino acid change in the encoded protein sequence. Three of five in-silico tools predict a damaging effect of the variant on protein function. The variant was absent in 251226 control chromosomes. The available data on variant occurrences in the general population are insufficient to allow any conclusion about variant significance. To our knowledge, no occurrence of c.3959C>G in individuals affected with KDM6B-related conditions and no experimental evidence demonstrating its impact on protein function have been reported. No submitters have cited clinical-significance assessments for this variant to ClinVar. Based on the evidence outlined above, the variant was classified as uncertain significance.

NM_001348716.2(KDM6B):c.3959C>G (p.Pro1320Arg)

Genes: KDM6B (lysine demethylase 6B; plus strand), LOC121587574 (Sharpr-MPRA regulatory region 3930; plus strand). Cytogenetic location: 17p13.1.
Variant type: single nucleotide variant.
Coding change: c.3959C>G on transcript NM_001348716.2 (MANE Select); coding-DNA position 3959, C replaced by G.
Protein change: p.Pro1320Arg; replaces proline 1320 with arginine.
Molecular consequence: missense variant.
Genome position (GRCh38, 1-based): chr17:7,851,492, C>G. VCF-style: chr17-7851492-C-G. GRCh37 (hg19) VCF-style: chr17-7754810-C-G.
Other names: c.3959C>G, p.Pro1320Arg (NM_001080424.2); short protein forms P1320R.
Identifiers: ClinVar variation 3769441 (VCV003769441.2).